The following is an entry in ClinVar:

NM_001018115.3(FANCD2):c.1572_1573del (p.Ser525fs)

Genes: FANCD2 (FA complementation group D2; plus strand), LOC107303338 (3p25 FANCD2 Alu-mediated recombination region; plus strand). Cytogenetic location: 3p25.3.
Variant type: Microsatellite.
Coding change: c.1572_1573del on transcript NM_001018115.3 (MANE Select); coding-DNA positions 1572 to 1573, 2 bases deleted (AT; older notation c.1572_1573delAT).
Protein change: p.Ser525fs; shifts the reading frame from serine 525.
Molecular consequence: frameshift variant. On other transcripts: intron variant (1).
Genome position (GRCh38, 1-based): chr3:10,052,413-10,052,414, AT deleted; deleting any 2 consecutive bases within chr3:10,052,411-10,052,414 gives the same sequence; the c. name uses the placement nearest the transcript's 3' end. VCF-style (leftmost placement, unchanged base first): chr3-10052410-CAT-C. GRCh37 (hg19) VCF-style: chr3-10094094-CAT-C.
Other names: c.1572_1573del, p.Ser525fs (NM_001319984.2, NM_001374254.1, NM_033084.6); c.1545+2908_1545+2909del (NM_001374253.1); short protein forms S525fs.
Identifiers: ClinVar variation 2960796 (VCV002960796.3), dbSNP rs2469932873, ClinGen allele CA2577504225.
Genomic context (GRCh38, chr3:10,052,410, plus strand): 5'-GCTGCTAGCCTCATTGTTGGCATCATTTTTTCCACAGGGCATTTTAGATTATCTGGATAA[CAT>C]ATCCCCTCAGCAAATACGAAAACTCTTCTATGTTCTCAGCACACTGGCATTTAGCAAACA-3'

ClinVar aggregate classification (germline): Pathogenic (1 of 4 stars; one submission).

Conditions:
Fanconi anemia (FA). Also called: Fanconi's anemia. Identifiers: Orphanet 84, MedGen C0015625, MeSH D005199, MONDO:0019391.

Submission:

Labcorp Genetics (formerly Invitae), Labcorp
Classification: Pathogenic for Fanconi anemia. Last evaluated: 2023-09-29. Review status: criteria provided, single submitter. Criteria: Invitae Variant Classification Sherloc (09022015). Collection method: clinical testing. Allele origin: germline.
Comment: For these reasons, this variant has been classified as Pathogenic. This variant has not been reported in the literature in individuals affected with FANCD2-related conditions. This variant is not present in population databases (gnomAD no frequency). This sequence change creates a premature translational stop signal (p.Ser525Profs*17) in the FANCD2 gene. It is expected to result in an absent or disrupted protein product. Loss-of-function variants in FANCD2 are known to be pathogenic (PMID: 17436244).

Literature cited by the submitters: PubMed 17436244.